The following is an entry in ClinVar:

NM_001291867.2(NHS):c.3153A>C (p.Lys1051Asn)

Gene: NHS (NHS actin remodeling regulator; plus strand). Cytogenetic location: Xp22.13.
Variant type: single nucleotide variant.
Coding change: c.3153A>C on transcript NM_001291867.2 (MANE Select); coding-DNA position 3153, A replaced by C.
Protein change: p.Lys1051Asn; replaces lysine 1051 with asparagine.
Molecular consequence: missense variant.
Genome position (GRCh38, 1-based): chrX:17,727,259, A>C. VCF-style: chrX-17727259-A-C. GRCh37 (hg19) VCF-style: chrX-17745379-A-C.
Other names: c.2622A>C, p.Lys874Asn (NM_001136024.4); c.2559A>C, p.Lys853Asn (NM_001291868.2); c.3090A>C, p.Lys1030Asn (NM_198270.4); short protein forms K1030N, K1051N, K874N, K853N.
Identifiers: ClinVar variation 3673809 (VCV003673809.2).

ClinVar aggregate classification (germline): Uncertain significance (1 of 4 stars; one submission).

Conditions:
Nance-Horan syndrome (NHS). Identifiers: Orphanet 627, MedGen C0796085, MONDO:0010545, OMIM 302350.

Submission:

Labcorp Genetics (formerly Invitae), Labcorp
Classification: Uncertain significance for Nance-Horan syndrome. Last evaluated: 2024-06-05. Review status: criteria provided, single submitter. Criteria: Invitae Variant Classification Sherloc (09022015). Collection method: clinical testing. Allele origin: germline.
Comment: This sequence change replaces lysine, which is basic and polar, with asparagine, which is neutral and polar, at codon 1030 of the NHS protein (p.Lys1030Asn). This variant is not present in population databases (gnomAD no frequency). This variant has not been reported in the literature in individuals affected with NHS-related conditions. Advanced modeling of protein sequence and biophysical properties (such as structural, functional, and spatial information, amino acid conservation, physicochemical variation, residue mobility, and thermodynamic stability) performed at Invitae indicates that this missense variant is expected to disrupt NHS protein function with a positive predictive value of 80%. In summary, the available evidence is currently insufficient to determine the role of this variant in disease. Therefore, it has been classified as a Variant of Uncertain Significance.